The following is an entry in ClinVar:

ClinVar aggregate classification (germline): Uncertain significance (1 of 4 stars; one submission).

Conditions:
Hereditary cancer-predisposing syndrome. Also called: Tumor predisposition; Hereditary neoplastic syndrome; Neoplastic Syndromes, Hereditary; Hereditary Cancer Syndrome. Identifiers: Orphanet 140162, MedGen C0027672, MeSH D009386, MONDO:0015356.

Submission:

Ambry Genetics
Classification: Uncertain significance for Hereditary cancer-predisposing syndrome. Last evaluated: 2025-03-24. Review status: criteria provided, single submitter. Criteria: Ambry Variant Classification Scheme 2023. Collection method: clinical testing. Allele origin: germline.
Comment: The p.E629K variant (also known as c.1885G>A), located in coding exon 12 of the CDH1 gene, results from a G to A substitution at nucleotide position 1885. The glutamic acid at codon 629 is replaced by lysine, an amino acid with similar properties. This alteration was identified in a cohort of 524 Chinese breast cancer patients (Chen B et al. Aging (Albany NY), 2020 Feb;12:3140-3155). This amino acid position is not well conserved in available vertebrate species. In addition, this alteration is predicted to be tolerated by in silico analysis. Based on the available evidence, the clinical significance of this variant remains unclear.

Literature cited by the submitters: PubMed 32091409.

NM_004360.5(CDH1):c.1885G>A (p.Glu629Lys)

Gene: CDH1 (cadherin 1; plus strand). Cytogenetic location: 16q22.1.
Variant type: single nucleotide variant.
Coding change: c.1885G>A on transcript NM_004360.5 (MANE Select); coding-DNA position 1885, G replaced by A.
Protein change: p.Glu629Lys; replaces glutamic acid 629 with lysine.
Molecular consequence: missense variant. On other transcripts: 5 prime UTR variant (1).
Genome position (GRCh38, 1-based): chr16:68,822,174, G>A. VCF-style: chr16-68822174-G-A. GRCh37 (hg19) VCF-style: chr16-68856077-G-A.
Other names: c.1702G>A, p.Glu568Lys (NM_001317184.2); c.337G>A, p.Glu113Lys (NM_001317185.2); c.-81G>A (NM_001317186.2); short protein forms E568K, E113K, E629K.
Identifiers: ClinVar variation 3998754 (VCV003998754.1).